The following is an entry in ClinVar:

NM_004304.5(ALK):c.3595A>T (p.Met1199Leu)

Gene: ALK (ALK receptor tyrosine kinase; minus strand). Cytogenetic location: 2p23.2.
Variant type: single nucleotide variant.
Coding change: c.3595A>T on transcript NM_004304.5 (MANE Select); coding-DNA position 3595, A replaced by T.
Protein change: p.Met1199Leu; replaces methionine 1199 with leucine.
Molecular consequence: missense variant.
Genome position (GRCh38, 1-based): chr2:29,220,756, T>A on the plus strand (A>T on the coding strand, the complement: ALK is on the minus strand). VCF-style: chr2-29220756-T-A. GRCh37 (hg19) VCF-style: chr2-29443622-T-A.
Other names: c.391A>T, p.Met131Leu (NM_001353765.2); short protein forms M1199L, M131L.
Identifiers: ClinVar variation 569205 (VCV000569205.14), dbSNP rs1400239417, ClinGen allele CA346473043.

ClinVar aggregate classification (germline): Uncertain significance. Review status: criteria provided, multiple submitters, no conflicts (2 of 4 stars). 4 submissions from 4 submitters: Uncertain significance (4). Last evaluated 2025-11-10.

Conditions:
Hereditary cancer-predisposing syndrome. Also called: Hereditary neoplastic syndrome; Neoplastic Syndromes, Hereditary; Hereditary Cancer Syndrome; Tumor predisposition. Identifiers: Orphanet 140162, MedGen C0027672, MeSH D009386, MONDO:0015356.
Neuroblastoma, susceptibility to, 3. Also called: ALK-Related Neuroblastic Tumor Susceptibility. Identifiers: Orphanet 635, MedGen C2751681, MONDO:0013083, OMIM 613014.

Allele frequency attached by ClinVar (database versions not stated): gnomAD exomes below 0.00001; gnomAD 0.00001 and 0.00002; TOPMed 0.00002.

Submissions (4):

Labcorp Genetics (formerly Invitae), Labcorp
Classification: Uncertain significance for Neuroblastoma, susceptibility to, 3. Last evaluated: 2025-11-10. Review status: criteria provided, single submitter. Criteria: Invitae Variant Classification Sherloc (09022015). Collection method: clinical testing. Allele origin: germline.
Comment: This sequence change replaces methionine, which is neutral and non-polar, with leucine, which is neutral and non-polar, at codon 1199 of the ALK protein (p.Met1199Leu). This variant is present in population databases (no rsID available, gnomAD 0.0009%). This missense change has been observed in individual(s) with medulloblastoma (PMID: 27179218). ClinVar contains an entry for this variant (Variation ID: 569205). An algorithm developed to predict the effect of missense changes on protein structure and function (PolyPhen-2) suggests that this variant is likely to be tolerated. In summary, the available evidence is currently insufficient to determine the role of this variant in disease. Therefore, it has been classified as a Variant of Uncertain Significance.

Ambry Genetics
Classification: Uncertain significance for Hereditary cancer-predisposing syndrome. Last evaluated: 2024-07-31. Review status: criteria provided, single submitter. Criteria: Ambry Variant Classification Scheme 2023. Collection method: clinical testing. Allele origin: germline.
Comment: The p.M1199L variant (also known as c.3595A>T), located in coding exon 23 of the ALK gene, results from an A to T substitution at nucleotide position 3595. The methionine at codon 1199 is replaced by leucine, an amino acid with highly similar properties. This variant has been reported in the germline of an individual with medulloblastoma and was inherited from an unaffected parent (Trubicka J et al. Folia Neuropathol, 2016;54:23-30). This amino acid position is highly conserved in available vertebrate species. In addition, the in silico prediction for this alteration is inconclusive. Based on the available evidence, the clinical significance of this variant remains unclear.

GeneDx
Classification: Uncertain significance. Last evaluated: 2024-07-01. Review status: criteria provided, single submitter. Criteria: GeneDx Variant Classification Process June 2021. Collection method: clinical testing. Allele origin: germline. Affected: yes.
Comment: Not observed at significant frequency in large population cohorts (gnomAD); In silico analysis supports that this missense variant has a deleterious effect on protein structure/function; Observed in an individual with medulloblastoma (PMID: 27179218); This variant is associated with the following publications: (PMID: 27179218)

Baylor Genetics
Classification: Uncertain significance for Neuroblastoma, susceptibility to, 3. Last evaluated: 2019-05-09. Review status: criteria provided, single submitter. Criteria: ACMG Guidelines, 2015. Collection method: clinical testing. Allele origin: maternal. Affected: yes. Study: CSER-TexasKidsCanSeq.
Comment: This variant was determined to be of uncertain significance according to ACMG Guidelines, 2015 [PMID:25741868].

Literature cited by the submitters: PubMed 27179218 (cited by Labcorp Genetics (formerly Invitae), Labcorp and Ambry Genetics).